The following is an entry in ClinVar:

NM_014321.4(ORC6):c.607A>C (p.Ile203Leu)

Gene: ORC6 (origin recognition complex subunit 6; plus strand). Cytogenetic location: 16q11.2.
Variant type: single nucleotide variant.
Coding change: c.607A>C on transcript NM_014321.4 (MANE Select); coding-DNA position 607, A replaced by C.
Protein change: p.Ile203Leu; replaces isoleucine 203 with leucine.
Molecular consequence: missense variant. On other transcripts: non-coding transcript variant (1).
Genome position (GRCh38, 1-based): chr16:46,696,061, A>C. VCF-style: chr16-46696061-A-C. GRCh37 (hg19) VCF-style: chr16-46729973-A-C.
Other names: short protein forms I203L.
Identifiers: ClinVar variation 3666361 (VCV003666361.2).

ClinVar aggregate classification (germline): Uncertain significance (1 of 4 stars; one submission).

Submission:

Labcorp Genetics (formerly Invitae), Labcorp
Classification: Uncertain significance. Last evaluated: 2025-10-02. Review status: criteria provided, single submitter. Criteria: Invitae Variant Classification Sherloc (09022015). Collection method: clinical testing. Allele origin: germline.
Comment: This sequence change replaces isoleucine, which is neutral and non-polar, with leucine, which is neutral and non-polar, at codon 203 of the ORC6 protein (p.Ile203Leu). This variant is not present in population databases (gnomAD no frequency). This variant has not been reported in the literature in individuals affected with ORC6-related conditions. ClinVar contains an entry for this variant (Variation ID: 3666361). Invitae Evidence Modeling of protein sequence and biophysical properties (such as structural, functional, and spatial information, amino acid conservation, physicochemical variation, residue mobility, and thermodynamic stability) indicates that this missense variant is not expected to disrupt ORC6 protein function with a negative predictive value of 80%. In summary, the available evidence is currently insufficient to determine the role of this variant in disease. Therefore, it has been classified as a Variant of Uncertain Significance.